The following is an entry in ClinVar:

ClinVar aggregate classification (germline): Uncertain significance. Review status: criteria provided, multiple submitters, no conflicts (2 of 4 stars). 2 submissions from 2 submitters: Uncertain significance (2). Last evaluated 2024-12-18.

Conditions:
Vitamin K-dependent clotting factors, combined deficiency of, type 1. Also called: FACTORS II, VII, IX, AND X, COMBINED DEFICIENCY OF; FAMILIAL MULTIPLE COAGULATION FACTOR DEFICIENCY III; FMFD III; GLUTAMIC ACID, DEFICIENT GAMMA-CARBOXYLATION OF; MULTIPLE COAGULATION FACTOR DEFICIENCY III; VITAMIN K-DEPENDENT COAGULATION DEFECT. Identifiers: Orphanet 98434, MedGen C1848534, MONDO:0010187, OMIM 277450.

gnomAD v4.1: 20 of 1,614,078 alleles (0.0012%); highest among the groups gnomAD compares: East Asian, 0.045%; no homozygotes.

Submissions (2):

Labcorp Genetics (formerly Invitae), Labcorp
Classification: Uncertain significance. Last evaluated: 2024-12-18. Review status: criteria provided, single submitter. Criteria: Invitae Variant Classification Sherloc (09022015). Collection method: clinical testing. Allele origin: germline.
Comment: This sequence change replaces proline, which is neutral and non-polar, with threonine, which is neutral and polar, at codon 332 of the GGCX protein (p.Pro332Thr). This variant is present in population databases (rs750270424, gnomAD 0.05%). This variant has not been reported in the literature in individuals affected with GGCX-related conditions. ClinVar contains an entry for this variant (Variation ID: 898109). Invitae Evidence Modeling of protein sequence and biophysical properties (such as structural, functional, and spatial information, amino acid conservation, physicochemical variation, residue mobility, and thermodynamic stability) has been performed for this missense variant. However, the output from this modeling did not meet the statistical confidence thresholds required to predict the impact of this variant on GGCX protein function. In summary, the available evidence is currently insufficient to determine the role of this variant in disease. Therefore, it has been classified as a Variant of Uncertain Significance.

Illumina Laboratory Services, Illumina
Classification: Uncertain significance for Vitamin K-dependent clotting factors, combined deficiency of, type 1. Last evaluated: 2018-01-13. Review status: criteria provided, single submitter. Criteria: ICSL Variant Classification Criteria 13 December 2019. Collection method: clinical testing. Allele origin: germline.

NM_000821.7(GGCX):c.994C>A (p.Pro332Thr)

Gene: GGCX (gamma-glutamyl carboxylase; minus strand). Cytogenetic location: 2p11.2.
Variant type: single nucleotide variant.
Coding change: c.994C>A on transcript NM_000821.7 (MANE Select); coding-DNA position 994, C replaced by A.
Protein change: p.Pro332Thr; replaces proline 332 with threonine.
Molecular consequence: missense variant.
Genome position (GRCh38, 1-based): chr2:85,553,393, G>T on the plus strand (C>A on the coding strand, the complement: GGCX is on the minus strand). VCF-style: chr2-85553393-G-T. GRCh37 (hg19) VCF-style: chr2-85780516-G-T.
Other names: c.823C>A, p.Pro275Thr (NM_001142269.4); short protein forms P275T, P332T.
Identifiers: ClinVar variation 898109 (VCV000898109.6), dbSNP rs750270424, ClinGen allele CA1741950.